The following is an entry in ClinVar:

ClinVar aggregate classification (germline): Uncertain significance. Review status: criteria provided, multiple submitters, no conflicts (2 of 4 stars). 2 submissions from 2 submitters: Uncertain significance (2). Last evaluated 2022-06-03.

Conditions:
Hereditary cancer-predisposing syndrome. Also called: Tumor predisposition; Hereditary neoplastic syndrome; Hereditary Cancer Syndrome; Neoplastic Syndromes, Hereditary. Identifiers: Orphanet 140162, MedGen C0027672, MeSH D009386, MONDO:0015356.

Allele frequency attached by ClinVar (database versions not stated): gnomAD exomes below 0.00001.
gnomAD v4.1: 4 of 1,502,080 alleles (0.00027%); highest among the groups gnomAD compares: Non-Finnish European, 0.00027%; no homozygotes.

Submissions (2):

Labcorp Genetics (formerly Invitae), Labcorp
Classification: Uncertain significance. Last evaluated: 2022-06-03. Review status: criteria provided, single submitter. Criteria: Invitae Variant Classification Sherloc (09022015). Collection method: clinical testing. Allele origin: germline.
Comment: In summary, the available evidence is currently insufficient to determine the role of this variant in disease. Therefore, it has been classified as a Variant of Uncertain Significance. Algorithms developed to predict the effect of missense changes on protein structure and function are either unavailable or do not agree on the potential impact of this missense change (SIFT: "Deleterious"; PolyPhen-2: "Not Available"; Align-GVGD: "Class C0"). ClinVar contains an entry for this variant (Variation ID: 576620). This variant has not been reported in the literature in individuals affected with POLE-related conditions. The frequency data for this variant in the population databases is considered unreliable, as metrics indicate poor data quality at this position in the gnomAD database. This sequence change replaces arginine, which is basic and polar, with tryptophan, which is neutral and slightly polar, at codon 8 of the POLE protein (p.Arg8Trp).

Ambry Genetics
Classification: Uncertain significance for Hereditary cancer-predisposing syndrome. Last evaluated: 2021-11-30. Review status: criteria provided, single submitter. Criteria: Ambry Variant Classification Scheme 2023. Collection method: clinical testing. Allele origin: germline.
Comment: The p.R8W variant (also known as c.22C>T), located in coding exon 1 of the POLE gene, results from a C to T substitution at nucleotide position 22. The arginine at codon 8 is replaced by tryptophan, an amino acid with dissimilar properties. This amino acid position is conserved. In addition, this alteration is predicted to be tolerated by in silico analysis. Since supporting evidence is limited at this time, the clinical significance of this alteration remains unclear.

NM_006231.4(POLE):c.22C>T (p.Arg8Trp)

Genes: POLE (DNA polymerase epsilon, catalytic subunit; minus strand), LOC130009266 (ATAC-STARR-seq lymphoblastoid silent region 5123; plus strand). Cytogenetic location: 12q24.33.
Variant type: single nucleotide variant.
Coding change: c.22C>T on transcript NM_006231.4 (MANE Select); coding-DNA position 22, C replaced by T.
Protein change: p.Arg8Trp; replaces arginine 8 with tryptophan.
Molecular consequence: missense variant.
Genome position (GRCh38, 1-based): chr12:132,687,294, G>A on the plus strand (C>T on the coding strand, the complement: POLE is on the minus strand). VCF-style: chr12-132687294-G-A. GRCh37 (hg19) VCF-style: chr12-133263880-G-A.
Other names: short protein forms R8W.
Identifiers: ClinVar variation 576620 (VCV000576620.12), dbSNP rs1196946399, ClinGen allele CA387373477.